The following is an entry in ClinVar:

NM_001918.5(DBT):c.252-13C>G

Gene: DBT (dihydrolipoamide branched chain transacylase E2; minus strand). Cytogenetic location: 1p21.2.
Variant type: single nucleotide variant.
Coding change: c.252-13C>G on transcript NM_001918.5 (MANE Select); 13 bases into the intron before coding-DNA position 252, C replaced by G.
Molecular consequence: intron variant.
Genome position (GRCh38, 1-based): chr1:100,230,927, G>C on the plus strand (C>G on the coding strand, the complement: DBT is on the minus strand). VCF-style: chr1-100230927-G-C. GRCh37 (hg19) VCF-style: chr1-100696483-G-C.
Identifiers: ClinVar variation 383021 (VCV000383021.1), dbSNP rs1057521505, ClinGen allele CA16603368.

ClinVar aggregate classification (germline): Likely benign (1 of 4 stars; one submission).

Allele frequency attached by ClinVar (database versions not stated): TOPMed below 0.00001; gnomAD 0.00001.
gnomAD v4.1: 1 of 1,495,038 alleles (0.000067%); highest among the groups gnomAD compares: African/African-American, 0.0014%; no homozygotes.

Submission:

GeneDx
Classification: Likely benign. Last evaluated: 2016-02-23. Review status: criteria provided, single submitter. Criteria: GeneDx Variant Classification (06012015). Collection method: clinical testing. Allele origin: germline. Affected: yes.
Comment: This variant is considered likely benign or benign based on one or more of the following criteria: it is a conservative change, it occurs at a poorly conserved position in the protein, it is predicted to be benign by multiple in silico algorithms, and/or has population frequency not consistent with disease.